The following is an entry in ClinVar:

ClinVar aggregate classification (germline): Pathogenic (1 of 4 stars; one submission).

Conditions:
Platelet-type bleeding disorder 10. Also called: CD36 DEFICIENCY. Identifiers: MedGen C1842090, MONDO:0012031, OMIM 608404.

Submission:

Dubai Health Genomic Medicine Center, Dubai Health
Classification: Pathogenic for Platelet glycoprotein IV deficiency. Last evaluated: 2024-10-04. Review status: criteria provided, single submitter. Criteria: ACMG Guidelines, 2015. Collection method: research. Allele origin: germline. Affected: yes.
Comment: PVS1,PM2,PP4

NM_001001548.3(CD36):c.667_671dup (p.Ala225fs)

Gene: CD36 (CD36 molecule (CD36 blood group); plus strand). Cytogenetic location: 7q21.11.
Variant type: Duplication.
Coding change: c.667_671dup on transcript NM_001001548.3 (MANE Select); coding-DNA positions 667 to 671, 5 bases duplicated (AAAGT; older notation c.667_671dupAAAGT).
Protein change: p.Ala225fs; shifts the reading frame from alanine 225.
Molecular consequence: frameshift variant. On other transcripts: non-coding transcript variant (1).
Genome position (GRCh38, 1-based): chr7:80,664,463-80,664,467, AAAGT duplicated; duplicating any 5 consecutive bases within chr7:80,664,459-80,664,467 gives the same sequence; the c. name uses the placement nearest the transcript's 3' end. VCF-style (leftmost placement, unchanged base first): chr7-80664458-T-TAAGTA. GRCh37 (hg19) VCF-style: chr7-80293774-T-TAAGTA.
Other names: c.667_671dup (NM_001001547.2); c.667_671dupAAAGT (NM_001001547.2); c.667_671dup, p.Ala225fs (NM_000072.3, NM_001001547.3, NM_001127443.2 and 6 more transcripts); c.487_491dup, p.Ala165fs (NM_001289909.1); c.439_443dup, p.Ala149fs (NM_001289911.2); c.565_569dup, p.Ala191fs (NM_001371079.1); c.202_206dup, p.Ala70fs (NM_001371080.1, NM_001371081.1); short protein forms A149fs, A165fs, A191fs, A225fs, A70fs.
Identifiers: ClinVar variation 1301547 (VCV001301547.3), dbSNP rs748431584, ClinGen allele CA2573052922.
Genomic context (GRCh38, chr7:80,664,458, plus strand): 5'-TATTTCAGTACAACAATACTGCAGATGGAGTTTATAAAGTTTTCAATGGAAAAGATAACA[T>TAAGTA]AAGTAAAGTTGCCATAATCGACACATATAAAGGTAAAAGGTAAGTATTCTGGTAAAATGT-3'